The following is an entry in ClinVar:

NM_001384474.1(LOXHD1):c.5689C>T (p.Leu1897=)

Gene: LOXHD1 (lipoxygenase homology PLAT domains 1; minus strand). Cytogenetic location: 18q21.1.
Variant type: single nucleotide variant.
Coding change: c.5689C>T on transcript NM_001384474.1 (MANE Select); coding-DNA position 5689, C replaced by T.
Protein change: p.Leu1897=; no amino-acid change (leucine 1897 retained).
Molecular consequence: synonymous variant.
Genome position (GRCh38, 1-based): chr18:46,507,541, G>A on the plus strand (C>T on the coding strand, the complement: LOXHD1 is on the minus strand). VCF-style: chr18-46507541-G-A. GRCh37 (hg19) VCF-style: chr18-44087504-G-A.
Other names: c.2356C>T, p.Leu786= (NM_001145472.3); c.406C>T, p.Leu136= (NM_001145473.3, NM_001173129.2); c.2068C>T, p.Leu690= (NM_001308013.2); c.5503C>T, p.Leu1835= (NM_144612.7).
Identifiers: ClinVar variation 163895 (VCV000163895.59), dbSNP rs202043044, ClinGen allele CA176610.

ClinVar aggregate classification (germline): Conflicting classifications of pathogenicity. Review status: criteria provided, conflicting classifications (1 of 4 stars). 12 submissions from 12 submitters: Uncertain significance (1); Benign (4); Likely benign (3). 4 of the submissions do not count toward it. Last evaluated 2026-02-04.

Conditions:
LOXHD1-related disorder. Also called: LOXHD1-related condition.
Autosomal recessive nonsyndromic hearing loss 77. Identifiers: Orphanet 90636, MedGen C2746083, MONDO:0013119, OMIM 613079.

Allele frequency attached by ClinVar (database versions not stated): 1000 Genomes Project 0.00020; 1000 Genomes Project 30x 0.00031; ESP Exome Variant Server 0.00110; ExAC 0.00144; TOPMed 0.00144; gnomAD 0.00210 and 0.00218; gnomAD exomes 0.00214 and 0.00246.
gnomAD v4.1: 3,725 of 1,551,712 alleles (0.24%); highest among the groups gnomAD compares: Non-Finnish European, 0.27%; 4 homozygotes.

Submissions (12):

Labcorp Genetics (formerly Invitae), Labcorp
Classification: Benign. Last evaluated: 2026-02-04. Review status: criteria provided, single submitter. Criteria: Invitae Variant Classification Sherloc (09022015). Collection method: clinical testing. Allele origin: germline.

Blueprint Genetics
Classification: Likely benign. Last evaluated: 2024-11-21. Review status: criteria provided, single submitter. Criteria: ACMG Guidelines, 2015. Collection method: clinical testing. Allele origin: germline.

CeGaT Center for Human Genetics Tuebingen
Classification: Likely benign. Last evaluated: 2023-07-01. Review status: criteria provided, single submitter. Criteria: CeGaT Center For Human Genetics Tuebingen Variant Classification Criteria Version 2. Collection method: clinical testing. Allele origin: germline. Affected: yes. Observed: 2 variant alleles.
Comment: LOXHD1: BP4, BP7

Athena Diagnostics
Classification: Benign. Last evaluated: 2018-09-20. Review status: criteria provided, single submitter. Criteria: Athena Diagnostics Criteria. Collection method: clinical testing. Allele origin: germline.

GeneDx
Classification: Likely benign. Last evaluated: 2018-07-02. Review status: criteria provided, single submitter. Criteria: GeneDx Variant Classification Process June 2021. Collection method: clinical testing. Allele origin: germline. Affected: yes.

Illumina Laboratory Services, Illumina
Classification: Uncertain significance for Autosomal recessive nonsyndromic hearing loss 77. Last evaluated: 2018-01-13. Review status: criteria provided, single submitter. Criteria: ICSL Variant Classification Criteria 13 December 2019. Collection method: clinical testing. Allele origin: germline.

Eurofins Ntd Llc (ga)
Classification: Benign. Last evaluated: 2017-07-17. Review status: criteria provided, single submitter. Criteria: EGL Classification Definitions 2015. Collection method: clinical testing. Allele origin: germline. Observed: 2 variant alleles, 2 heterozygotes.

Laboratory for Molecular Medicine, Mass General Brigham Personalized Medicine
Classification: Benign. Last evaluated: 2015-05-05. Review status: criteria provided, single submitter. Criteria: LMM Criteria. Collection method: clinical testing. Allele origin: germline. Observed: 6 variant alleles.
Comment: Leu1835Leu in Exon 35 of LOXHD1: This variant is not expected to have clinical s ignificance because it does not alter an amino acid residue, is not located with in the splice consensus sequence, and has been identified in 1.1% (17/1524) of E uropean chromosomes by the Exome Aggregation Consortium (ExAC; dbSNP rs202043044).

PreventionGenetics, part of Exact Sciences
Classification: Benign for LOXHD1-related condition. Last evaluated: 2021-02-17. Review status: no assertion criteria provided. Collection method: clinical testing. Allele origin: germline. Not counted in ClinVar's aggregate classification.
Comment: This variant is classified as benign based on ACMG/AMP sequence variant interpretation guidelines (Richards et al. 2015 PMID: 25741868, with internal and published modifications).

Natera, Inc.
Classification: Likely benign for Autosomal recessive deafness type 77. Last evaluated: 2019-11-11. Review status: no assertion criteria provided. Collection method: clinical testing. Allele origin: germline. Not counted in ClinVar's aggregate classification.

Clinical Genetics DNA and cytogenetics Diagnostics Lab, Erasmus MC, Erasmus Medical Center
Classification: Likely benign. Review status: no assertion criteria provided. Collection method: clinical testing. Allele origin: germline. Affected: yes. Study: VKGL Data-share Consensus. Not counted in ClinVar's aggregate classification.

Joint Genome Diagnostic Labs from Nijmegen and Maastricht, Radboudumc and MUMC+
Classification: Benign. Review status: no assertion criteria provided. Collection method: clinical testing. Allele origin: germline. Affected: yes. Study: VKGL Data-share Consensus. Not counted in ClinVar's aggregate classification.